The following is an entry in ClinVar:

NM_020884.7(MYH7B):c.2050G>A (p.Glu684Lys)

Gene: MYH7B (myosin heavy chain 7B; plus strand). Cytogenetic location: 20q11.22.
Variant type: single nucleotide variant.
Coding change: c.2050G>A on transcript NM_020884.7 (MANE Select); coding-DNA position 2050, G replaced by A.
Protein change: p.Glu684Lys; replaces glutamic acid 684 with lysine.
Molecular consequence: missense variant.
Genome position (GRCh38, 1-based): chr20:34,990,810, G>A. VCF-style: chr20-34990810-G-A. GRCh37 (hg19) VCF-style: chr20-33578613-G-A.
Other names: short protein forms E684K.
Identifiers: ClinVar variation 4805021 (VCV004805021.1).
Genomic context (GRCh38, chr20:34,990,810, plus strand): 5'-AAGCTGATGACCAACCTGCGGGCCACACAGCCCCACTTCGTCCGCTGCATTGTCCCCAAC[G>A]AGAACAAAACCCCAGGTAGTCACCCAGGGCTGGCCTGGCTGGGGCCGGGAGGCATCATGG-3'
Protein context (NP_065935.4, residues 674-694): PHFVRCIVPN[Glu684Lys]NKTPGVMDAF

ClinVar aggregate classification (germline): Uncertain significance (1 of 4 stars; one submission).

gnomAD v4.1: 18 of 1,614,124 alleles (0.0011%); highest among the groups gnomAD compares: Admixed American, 0.0083%; no homozygotes.

Submission:

Labcorp Genetics (formerly Invitae), Labcorp
Classification: Uncertain significance. Last evaluated: 2025-12-03. Review status: criteria provided, single submitter. Criteria: Invitae Variant Classification Sherloc (09022015). Collection method: clinical testing. Allele origin: germline.
Comment: This sequence change replaces glutamic acid, which is acidic and polar, with lysine, which is basic and polar, at codon 726 of the MYH7B protein (p.Glu726Lys). This variant is present in population databases (rs752537381, gnomAD 0.01%). This variant has not been reported in the literature in individuals affected with MYH7B-related conditions. Invitae Evidence Modeling of protein sequence and biophysical properties (such as structural, functional, and spatial information, amino acid conservation, physicochemical variation, residue mobility, and thermodynamic stability) indicates that this missense variant is expected to disrupt MYH7B protein function with a positive predictive value of 80%. In summary, the available evidence is currently insufficient to determine the role of this variant in disease. Therefore, it has been classified as a Variant of Uncertain Significance.